The following is an entry in ClinVar:

ClinVar aggregate classification (germline): other (0 of 4 stars; one submission).

Conditions:
Familial colorectal cancer. Identifiers: MedGen CN280943, MONDO:0023113. Disease mechanism: loss of function.

Allele frequency attached by ClinVar (database versions not stated): gnomAD 0.38579 and 0.39892; TOPMed 0.40195; 1000 Genomes Project 30x 0.42973; 1000 Genomes Project 0.43391.

Submission:

Systems Biology Platform Zhejiang California International NanoSystems Institute
Classification: other for Familial colorectal cancer. Review status: no assertion criteria provided. Collection method: not provided. Allele origin: unknown.
ClinVar note: Converted during submission from cancer to other.

NM_000038.6(APC):c.1743+2918T>C

Gene: APC (APC regulator of WNT signaling pathway; plus strand). Cytogenetic location: 5q22.2.
Variant type: single nucleotide variant.
Coding change: c.1743+2918T>C on transcript NM_000038.6 (MANE Select); 2918 bases into the intron after coding-DNA position 1743, T replaced by C.
Molecular consequence: intron variant.
Genome position (GRCh38, 1-based): chr5:112,831,890, T>C. VCF-style: chr5-112831890-T-C. GRCh37 (hg19) VCF-style: chr5-112167587-T-C.
Other names: c.1743+2918T>C (NM_001354895.2, NM_001127510.3); c.1773+2918T>C (NM_001354897.2); c.1470+2918T>C (NM_001354902.2); c.1689+2918T>C (NM_001127511.3); c.1668+2918T>C (NM_001354898.2); c.1365+2918T>C (NM_001354904.2); c.894+2918T>C (NM_001354906.2); c.1797+2918T>C (NM_001354896.2); and 5 more.
Identifiers: ClinVar variation 83183 (VCV000083183.2), dbSNP rs548710, ClinGen allele CA005645.
Genomic context (GRCh38, chr5:112,831,890, plus strand): 5'-AGTGTTTCTCTTTTCCAGTAACAACCAAAACCCTGAACAATGGTTTTGACCAAATACCTT[T>C]GTGTATCAGAGTGTTTCTGGGGCAGTTACAATTTGACAGTTGACTTTGACTTGCTTCATT-3'